The following is an entry in ClinVar:

ClinVar aggregate classification (germline): Uncertain significance. Review status: criteria provided, multiple submitters, no conflicts (2 of 4 stars). 2 submissions from 2 submitters: Uncertain significance (2). Last evaluated 2025-05-31.

Conditions:
Familial cancer of breast. Also called: BREAST CANCER, FAMILIAL; Hereditary breast cancer; hereditary breast carcinoma. Identifiers: Orphanet 227535, MedGen C0346153, MONDO:0016419, OMIM 114480. Disease mechanism: loss of function.
Hereditary cancer-predisposing syndrome. Also called: Hereditary neoplastic syndrome; Neoplastic Syndromes, Hereditary; Hereditary Cancer Syndrome; Tumor predisposition. Identifiers: Orphanet 140162, MedGen C0027672, MeSH D009386, MONDO:0015356.

Submissions (2):

Ambry Genetics
Classification: Uncertain significance for Hereditary cancer-predisposing syndrome. Last evaluated: 2025-05-31. Review status: criteria provided, single submitter. Criteria: Ambry Variant Classification Scheme 2023. Collection method: clinical testing. Allele origin: germline.
Comment: The p.S103G variant (also known as c.307A>G), located in coding exon 3 of the BARD1 gene, results from an A to G substitution at nucleotide position 307. The serine at codon 103 is replaced by glycine, an amino acid with similar properties. This amino acid position is conserved. In addition, this alteration is predicted to be tolerated by in silico analysis. Based on the available evidence, the clinical significance of this variant remains unclear.

Labcorp Genetics (formerly Invitae), Labcorp
Classification: Uncertain significance for Familial cancer of breast. Last evaluated: 2017-12-23. Review status: criteria provided, single submitter. Criteria: Invitae Variant Classification Sherloc (09022015). Collection method: clinical testing. Allele origin: germline.
Comment: In summary, the available evidence is currently insufficient to determine the role of this variant in disease. Therefore, it has been classified as a Variant of Uncertain Significance. This sequence change replaces serine with glycine at codon 103 of the BARD1 protein (p.Ser103Gly). The serine residue is highly conserved and there is a small physicochemical difference between serine and glycine. This variant is not present in population databases (ExAC no frequency). This variant has not been reported in the literature in individuals with BARD1-related disease. Algorithms developed to predict the effect of missense changes on protein structure and function (SIFT, PolyPhen-2, Align-GVGD) all suggest that this variant is likely to be tolerated, but these predictions have not been confirmed by published functional studies and their clinical significance is uncertain.

NM_000465.4(BARD1):c.307A>G (p.Ser103Gly)

Gene: BARD1 (BRCA1 associated RING domain 1; minus strand). Cytogenetic location: 2q35.
Variant type: single nucleotide variant.
Coding change: c.307A>G on transcript NM_000465.4 (MANE Select); coding-DNA position 307, A replaced by G.
Protein change: p.Ser103Gly; replaces serine 103 with glycine.
Molecular consequence: missense variant. On other transcripts: non-coding transcript variant (1), intron variant (2).
Genome position (GRCh38, 1-based): chr2:214,792,354, T>C on the plus strand (A>G on the coding strand, the complement: BARD1 is on the minus strand). VCF-style: chr2-214792354-T-C. GRCh37 (hg19) VCF-style: chr2-215657078-T-C.
Other names: c.250A>G, p.Ser84Gly (NM_001282543.2); c.307A>G, p.Ser103Gly (NM_001282549.2); c.158+17058A>G (NM_001282548.2); c.215+4707A>G (NM_001282545.2); c.307A>G (NM_000465.2); short protein forms S103G, S84G.
Identifiers: ClinVar variation 530088 (VCV000530088.10), dbSNP rs1553624745, ClinGen allele CA350460970.